The following is an entry in ClinVar:

NM_000059.4(BRCA2):c.7919A>G (p.Lys2640Arg)

Gene: BRCA2 (BRCA2 DNA repair associated; plus strand). Cytogenetic location: 13q13.1.
Variant type: single nucleotide variant.
Coding change: c.7919A>G on transcript NM_000059.4 (MANE Select); coding-DNA position 7919, A replaced by G.
Protein change: p.Lys2640Arg; replaces lysine 2640 with arginine.
Molecular consequence: missense variant.
Genome position (GRCh38, 1-based): chr13:32,362,636, A>G. VCF-style: chr13-32362636-A-G. GRCh37 (hg19) VCF-style: chr13-32936773-A-G.
Other names: short protein forms K2640R.
Identifiers: ClinVar variation 628766 (VCV000628766.16), dbSNP rs397507394, ClinGen allele CA387747182.

ClinVar aggregate classification (germline): Conflicting classifications of pathogenicity. Review status: criteria provided, conflicting classifications (1 of 4 stars). 5 submissions from 5 submitters: Uncertain significance (4); Likely benign (1). Last evaluated 2025-05-19.

Conditions:
Hereditary cancer-predisposing syndrome. Also called: Neoplastic Syndromes, Hereditary; Tumor predisposition; Hereditary neoplastic syndrome; Hereditary Cancer Syndrome. Identifiers: Orphanet 140162, MedGen C0027672, MeSH D009386, MONDO:0015356.
Hereditary breast ovarian cancer syndrome. Also called: Hereditary breast and ovarian cancer syndrome; Hereditary breast and ovarian cancer; Hereditary breast and ovarian cancer syndrome (HBOC); Breast and ovarian cancer; Hereditary breast and/or ovarian cancer syndrome; BRCA1- and BRCA2-Associated Hereditary Breast and Ovarian Cancer. Identifiers: Orphanet 145, MedGen C0677776, MeSH D061325, MONDO:0003582. Disease mechanism: loss of function.

Submissions (5):

Ambry Genetics
Classification: Likely benign for Hereditary cancer-predisposing syndrome. Last evaluated: 2025-05-19. Review status: criteria provided, single submitter. Criteria: Ambry Variant Classification Scheme 2023. Collection method: clinical testing. Allele origin: germline.

Labcorp Genetics (formerly Invitae), Labcorp
Classification: Uncertain significance for Hereditary breast ovarian cancer syndrome. Last evaluated: 2023-12-22. Review status: criteria provided, single submitter. Criteria: Invitae Variant Classification Sherloc (09022015). Collection method: clinical testing. Allele origin: germline.
Comment: This sequence change replaces lysine, which is basic and polar, with arginine, which is basic and polar, at codon 2640 of the BRCA2 protein (p.Lys2640Arg). This variant is not present in population databases (gnomAD no frequency). This variant has not been reported in the literature in individuals affected with BRCA2-related conditions. ClinVar contains an entry for this variant (Variation ID: 628766). Advanced modeling of protein sequence and biophysical properties (such as structural, functional, and spatial information, amino acid conservation, physicochemical variation, residue mobility, and thermodynamic stability) performed at Invitae indicates that this missense variant is not expected to disrupt BRCA2 protein function with a negative predictive value of 95%. RNA analysis performed to evaluate the impact of this missense change on mRNA splicing indicates it does not significantly alter splicing (Invitae). In summary, the available evidence is currently insufficient to determine the role of this variant in disease. Therefore, it has been classified as a Variant of Uncertain Significance.

Women's Health and Genetics/Laboratory Corporation of America, LabCorp
Classification: Uncertain significance. Last evaluated: 2022-06-25. Review status: criteria provided, single submitter. Criteria: LabCorp Variant Classification Summary - May 2015. Collection method: clinical testing. Allele origin: germline.

Quest Diagnostics Nichols Institute San Juan Capistrano
Classification: Uncertain significance. Last evaluated: 2021-03-25. Review status: criteria provided, single submitter. Criteria: Quest Diagnostics criteria. Collection method: clinical testing. Allele origin: unknown.

Color Diagnostics, LLC DBA Color Health
Classification: Uncertain significance for Hereditary cancer-predisposing syndrome. Last evaluated: 2019-06-28. Review status: criteria provided, single submitter. Criteria: ACMG Guidelines, 2015. Collection method: clinical testing. Allele origin: germline.